The following is an entry in ClinVar:

NM_015459.5(ATL3):c.638G>C (p.Arg213Thr)

Genes: ATL3 (atlastin GTPase 3; minus strand), LNCROPM (lncRNA regulator of PLAAT3 mediated phospholipid metabolism; plus strand). Cytogenetic location: 11q13.1.
Variant type: single nucleotide variant.
Coding change: c.638G>C on transcript NM_015459.5 (MANE Select); coding-DNA position 638, G replaced by C.
Protein change: p.Arg213Thr; replaces arginine 213 with threonine.
Molecular consequence: missense variant.
Genome position (GRCh38, 1-based): chr11:63,644,242, C>G on the plus strand (G>C on the coding strand, the complement: ATL3 is on the minus strand). VCF-style: chr11-63644242-C-G. GRCh37 (hg19) VCF-style: chr11-63411714-C-G.
Other names: c.584G>C, p.Arg195Thr (NM_001290048.2); short protein forms R213T, R195T.
Identifiers: ClinVar variation 1753228 (VCV001753228.2), dbSNP rs2495657993, ClinGen allele CA381024675.
Genomic context (GRCh38, chr11:63,644,242, plus strand): 5'-TCCAAAAATGCCATTCCTCCTTGGAGTCCATAGCTATATTCATAAGGGAAACTCCAATCT[C>G]TAACCAAAAACATCAGTGTCTATTTAAGAAAAGAGCGGAACATATTTTAACATGCATAAA-3'
Protein context (NP_056274.3, residues 203-223): KPFQTLMFLV[Arg213Thr]DWSFPYEYSY

ClinVar aggregate classification (germline): Uncertain significance (1 of 4 stars; one submission).

Conditions:
Inborn genetic diseases. Identifiers: MedGen C0950123, MeSH D030342.

Submission:

Ambry Genetics
Classification: Uncertain significance for Inborn genetic diseases. Last evaluated: 2022-05-12. Review status: criteria provided, single submitter. Criteria: Ambry Variant Classification Scheme 2023. Collection method: clinical testing. Allele origin: germline.
Comment: The p.R213T variant (also known as c.638G>C), located in coding exon 7 of the ATL3 gene, results from a G to C substitution at nucleotide position 638. The arginine at codon 213 is replaced by threonine, an amino acid with similar properties. This amino acid position is highly conserved in available vertebrate species. In addition, this alteration is predicted to be deleterious by in silico analysis. Since supporting evidence is limited at this time, the clinical significance of this alteration remains unclear.